The following is an entry in ClinVar:

ClinVar aggregate classification (germline): Pathogenic (3 of 4 stars; one submission).

Conditions:
Breast-ovarian cancer, familial, susceptibility to, 2 (BROVCA2). Also called: BRCA2 Hereditary Breast and Ovarian Cancer. Identifiers: Orphanet 145, MedGen C2675520, MONDO:0012933, OMIM 612555. Disease mechanism: loss of function.

Submission:

Evidence-based Network for the Interpretation of Germline Mutant Alleles (ENIGMA)
Classification: Pathogenic for Breast-ovarian cancer, familial, susceptibility to, 2. Last evaluated: 2016-09-08. Review status: reviewed by expert panel. Criteria: ENIGMA BRCA1/2 Classification Criteria (2015). Collection method: curation. Allele origin: germline.
Comment: Variant allele predicted to encode a truncated non-functional protein.

NM_000059.4(BRCA2):c.5138del (p.Asn1713fs)

Gene: BRCA2 (BRCA2 DNA repair associated; plus strand). Cytogenetic location: 13q13.1.
Variant type: Deletion.
Coding change: c.5138del on transcript NM_000059.4 (MANE Select); coding-DNA position 5138, one base deleted (A; older notation c.5138delA).
Protein change: p.Asn1713fs; shifts the reading frame from asparagine 1713.
Molecular consequence: frameshift variant.
Genome position (GRCh38, 1-based): chr13:32,339,493, A deleted; the last of 3 consecutive A bases (chr13:32,339,491-32,339,493); deleting any one gives the same sequence. VCF-style (leftmost placement, unchanged base first): chr13-32339490-GA-G. GRCh37 (hg19) VCF-style: chr13-32913627-GA-G.
Other names: c.5138delA (NM_000059.3); short protein forms N1713fs.
Identifiers: ClinVar variation 254552 (VCV000254552.2), dbSNP rs886038120, ClinGen allele CA10586536.